The following is an entry in ClinVar:

ClinVar aggregate classification (germline): Benign/Likely benign. Review status: criteria provided, multiple submitters, no conflicts (2 of 4 stars). 4 submissions from 4 submitters: Benign (1); Likely benign (3). Last evaluated 2026-01-28.

Allele frequency attached by ClinVar (database versions not stated): ESP Exome Variant Server 0.00087; gnomAD 0.00115; TOPMed 0.00123; 1000 Genomes Project 30x 0.00219; 1000 Genomes Project 0.00240.
gnomAD v4.1: 410 of 1,591,688 alleles (0.026%); highest among the groups gnomAD compares: African/African-American, 0.44%; no homozygotes.

Submissions (4):

Labcorp Genetics (formerly Invitae), Labcorp
Classification: Benign. Last evaluated: 2026-01-28. Review status: criteria provided, single submitter. Criteria: Invitae Variant Classification Sherloc (09022015). Collection method: clinical testing. Allele origin: germline.

Blueprint Genetics
Classification: Likely benign. Last evaluated: 2024-08-01. Review status: criteria provided, single submitter. Criteria: ACMG Guidelines, 2015. Collection method: clinical testing. Allele origin: germline.

GeneDx
Classification: Likely benign. Last evaluated: 2020-11-18. Review status: criteria provided, single submitter. Criteria: GeneDx Variant Classification Process June 2021. Collection method: clinical testing. Allele origin: germline. Affected: yes.

Laboratory for Molecular Medicine, Mass General Brigham Personalized Medicine
Classification: Likely benign. Last evaluated: 2012-04-30. Review status: criteria provided, single submitter. Criteria: LMM Criteria. Collection method: clinical testing. Allele origin: germline. Observed: 2 variant alleles.
Comment: Ala1288Ala in Exon 30 of MYO7A: This variant is not expected to have clinical si gnificance because it does not alter an amino acid residue, is not located withi n the splice consensus sequence, and has been identified in 0.3% (11/3566) of Af rican American chromosomes from a broad population by the NHLBI Exome Sequencing Project (dbSNP rs144657938).

NM_000260.4(MYO7A):c.3864C>T (p.Ala1288=)

Gene: MYO7A (myosin VIIA; plus strand). Cytogenetic location: 11q13.5.
Variant type: single nucleotide variant.
Coding change: c.3864C>T on transcript NM_000260.4 (MANE Select); coding-DNA position 3864, C replaced by T.
Protein change: p.Ala1288=; no amino-acid change (alanine 1288 retained).
Molecular consequence: synonymous variant.
Genome position (GRCh38, 1-based): chr11:77,190,810, C>T. VCF-style: chr11-77190810-C-T. GRCh37 (hg19) VCF-style: chr11-76901855-C-T.
Other names: c.3864C>T, p.Ala1288= (NM_001127180.2); c.3831C>T, p.Ala1277= (NM_001369365.1).
Identifiers: ClinVar variation 227683 (VCV000227683.18), dbSNP rs144657938, ClinGen allele CA6198222.
Genomic context (GRCh38, chr11:77,190,810, plus strand): 5'-CACCAAGACCCTGCTGACGGACTCGGCAACCACGGCCAAGGAGCTCTGCAACGCGCTGGC[C>T]GACAAGATCTCTCTCAAGGACCGGTTCGGGTTCTCCCTCTACATTGCCCTGTTTGACAAG-3'
Protein context (NP_000251.3, residues 1278-1298): TTAKELCNAL[Ala1288=]DKISLKDRFG